The following continues an entry in ClinVar:

NM_000400.4(ERCC2):c.2150C>G (p.Ala717Gly)

Gene: ERCC2. ClinVar aggregate classification (germline): Pathogenic/Likely pathogenic. Pathogenic (12); Likely pathogenic (4).

Submissions 10 to 23 of 23:

Women's Health and Genetics/Laboratory Corporation of America, LabCorp
Classification: Pathogenic for Xeroderma pigmentosum. Last evaluated: 2023-01-04. Review status: criteria provided, single submitter. Criteria: LabCorp Variant Classification Summary - May 2015. Collection method: clinical testing. Allele origin: germline.
Comment: Variant summary: ERCC2 c.2150C>G (p.Ala717Gly) results in a non-conservative amino acid change in the encoded protein sequence. Four of five in-silico tools predict a damaging effect of the variant on protein function. It has always been reported in cis with c.1381C>G (p.Leu461Val). Several computational tools predict a significant impact on normal splicing: Four predict the variant strengthens a cryptic exonic 5' splicing donor site. At least one publication reports experimental evidence that this variant affects mRNA splicing resulting in splicing-out of the last 45 bases of exon 22 resulting in r.[1381c>g;2146_2190del], which is translated into p.[L461V;V716_R730del] (Horibata_2015). The variant allele was found at a frequency of 0.00031 in 251244 control chromosomes. This frequency is not significantly higher than estimated for a pathogenic variant in ERCC2 causing Xeroderma Pigmentosum/Trichothiodystrophy (0.00031 vs 0.00061), allowing no conclusion about variant significance. c.2150C>G has been reported in the literature always a complex allele in cis with c.1381C>G (p.Leu461Val) in compound heterozygous genotypes with other pathogenic alleles in multiple individuals with features of Xeroderma Pigmentosum and Trichothiodystrophy (example, Takayama_1996, Moslehi_2012, Fujimoto_2005, Zhou_2013, Fassihi_2016, Horibata_2015). This complex allele has also been reported in individuals with various cancers, although these findings have not been ascertained in the context of this evaluation. These data indicate that the variant in its complex allele configuration is very likely to be associated with disease. At least one publication reports experimental evidence evaluating an impact of the complex allele on protein function (example, Horibata_2015). The most pronounced variant effect abolishes the helicase, Nucleotide Excision Repair (NER) activity and the transcriptional activity of TFIIH. However, although individually, p.Leu461Val and p.Ala717Gly possessed full NER activity (comparable to p.WT), the combined mutant p.[Leu461Val; Ala717Gly] possessed only partial NER activity. Due to the data presented as immunoprecipitation data on blots, an exact residual activity for the combined mutant cannot be ascertained from this report. Nine clinical diagnostic laboratories have submitted clinical-significance assessments for this variant to ClinVar after 2014 without evidence for independent evaluation. Based on the evidence outlined above, as a surrogate representation of its complex allele configuration, this variant was classified as pathogenic.

Genetics and Molecular Pathology, SA Pathology
Classification: Likely pathogenic for Xeroderma pigmentosum, group D. Last evaluated: 2022-04-14. Review status: criteria provided, single submitter. Criteria: ACMG Guidelines, 2015. Collection method: clinical testing. Allele origin: germline. Affected: yes.

Ambry Genetics
Classification: Pathogenic for Inborn genetic diseases. Last evaluated: 2022-03-15. Review status: criteria provided, single submitter. Criteria: Ambry Variant Classification Scheme 2023. Collection method: clinical testing. Allele origin: germline.
Comment: The c.2150C>G (p.A717G) alteration is located in coding exon 22 of the ERCC2 gene. This alteration results from a C to G substitution at nucleotide position 2150, causing the alanine (A) at amino acid position 717 to be replaced by a glycine (G). Based on data from gnomAD, the G allele has an overall frequency of 0.03% (87/282626) total alleles studied. The highest observed frequency was 0.22% (23/10368) of Ashkenazi Jewish alleles. This mutation has been reported in conjunction with additional ERCC2 alterations in individuals with xeroderma pigmentosum and trichothiodystrophy (Takayama, 1995; Takayama, 1997; Fujimoto, 2005; Orioli, 2013; Zhou, 2013; Fassihi, 2016). Fibroblast cell lines derived from individuals with this mutation demonstrated aberrant splicing, expected to result in an in-frame deletion of 15 amino acids (V716_R730del) (Takayama, 1995; Horibata, 2015). Additional functional assays showed that XPD protein with the V716_R730 deletion is defective in nucleotide excision repair activity and could not form the TFIIH complex (Horibata, 2015). In silico splice site analysis predicts that this alteration will result in the creation or strengthening of a novel splice donor site. Based on the available evidence, this alteration is classified as pathogenic.

Baylor Genetics
Classification: Pathogenic for Trichothiodystrophy 1, photosensitive. Last evaluated: 2020-04-27. Review status: criteria provided, single submitter. Criteria: ACMG Guidelines, 2015. Collection method: clinical testing. Allele origin: unknown. Affected: yes.
Comment: This variant was determined to be pathogenic according to ACMG Guidelines, 2015 [PMID:25741868].

Mendelics
Classification: Pathogenic for Xeroderma pigmentosum, group D. Last evaluated: 2019-05-28. Review status: criteria provided, single submitter. Criteria: Mendelics Assertion Criteria 2017. Collection method: clinical testing. Allele origin: unknown.

Illumina Laboratory Services, Illumina
Classification: Pathogenic for ERCC2-Related Disorders. Last evaluated: 2019-01-09. Review status: criteria provided, single submitter. Criteria: ICSL Variant Classification Criteria 09 May 2019. Collection method: clinical testing. Allele origin: germline.
Comment: The ERCC2 c.2150C>G (p.Ala717Gly) variant creates a new splice donor site which results in altered splicing leading to a 15 amino acid deletion (p.Val716_Arg730del) (Takayama et al. 1995; Horibata et al. 2015). The p.Val716_Arg730del variant is described in at least six studies, in which it is always found in cis with a missense variant, c.1381C>G (p.Leu461Val), to give the complex allele: [c.1381C>G (p.Leu461Val); c.2150C>G (p.Val716_Arg730del)] (Takayama et al. 1995; Takayama et al. 1997; Moslehi et al. 2012; Orioli et al. 2013; Zhou et al. 2013; Horibata et al. 2015). The complex allele (p.Leu461Val; p.Val716_Arg730del) has been reported in a compound heterozygous state with another missense variant in a total of 16 individuals with either xeroderma pigmentosum (XP) or trichothiodystrophy. Orioli et al. (2013) report the (p.Leu461Val; p.Val716_Arg730del) allele in a compound heterozygous state with a missense variant in a patient with a severe XP phenotype. The patient had 48% of normal transcription factor TFIIH levels in fibroblasts and 10% of typical UV-induced DNA repair synthesis ability. Horibata et al. (2015) performed functional studies demonstrating that the (p.Leu461Val; p.Val716_Arg730del) allele was functionally null in nucleotide excision repair and not able to form the TFIIH complex. The p.Ala717Gly and p.Leu461Val variants in isolation performed similarly to wild type in nucleotide excision repair and were able to fully or partly form the TFIIH complex and rescue the UV hypersensitivity. Zhou et al. (2013) also showed that the (p.Leu461Val; p.Val716_Arg730del) allele exhibited decreased DNA repair. The p.Ala717Gly variant is reported at a frequency of 0.0005124 in the European (non-Finnish) population of the Exome Aggregation Consortium. Based on the collective evidence, the (p.Leu461Val; p.Val716_Arg730del) allele is classified as pathogenic for ERCC2-related disorders. This variant was observed by ICSL as part of a predisposition screen in an ostensibly healthy population.

St. Jude Molecular Pathology, St. Jude Children's Research Hospital
Classification: Likely pathogenic for Mixed Phenotype Acute Leukemia, T/Myeloid, Not Otherwise Specified. Last evaluated: 2016-01-20. Review status: criteria provided, single submitter. Criteria: ACMG Guidelines, 2015. Collection method: clinical testing. Allele origin: germline. Affected: yes.

ITMI
No classification provided. Condition: AllHighlyPenetrant. Last evaluated: 2013-09-19. Review status: no classification provided. Collection method: reference population. Allele origin: germline. Not counted in ClinVar's aggregate classification.
Comment: Please see associated publication for description of ethnicities

Dr. Peter K. Rogan Lab, Western University
No classification provided (evidence only). Condition: Melanoma. Review status: no classification provided. Collection method: in vitro. Allele origin: not applicable. Functional consequence: cryptic splice site, retained intron. Not counted in ClinVar's aggregate classification.

Dr. Peter K. Rogan Lab, Western University
No classification provided (evidence only). Condition: Familial cancer of breast. Review status: no classification provided. Collection method: in vitro. Allele origin: not applicable. Functional consequence: cryptic splice site. Not counted in ClinVar's aggregate classification.

Dr. Peter K. Rogan Lab, Western University
No classification provided (evidence only). Condition: Colon adenocarcinoma. Review status: no classification provided. Collection method: in vitro. Allele origin: not applicable. Functional consequence: cryptic splice site. Not counted in ClinVar's aggregate classification.

Dr. Peter K. Rogan Lab, Western University
No classification provided (evidence only). Condition: Cervical cancer. Review status: no classification provided. Collection method: in vitro. Allele origin: not applicable. Functional consequence: cryptic splice site. Not counted in ClinVar's aggregate classification.

Dr. Peter K. Rogan Lab, Western University
No classification provided (evidence only). Condition: Ovarian serous cystadenocarcinoma. Review status: no classification provided. Collection method: in vitro. Allele origin: not applicable. Functional consequence: retained intron. Not counted in ClinVar's aggregate classification.

Centre for Mendelian Genomics, University Medical Centre Ljubljana
Classification: Uncertain significance for Xeroderma pigmentosum, group D. Last evaluated: 2019-05-13. Review status: flagged submission. Criteria: ACMG Guidelines, 2015. Collection method: clinical testing. Allele origin: unknown. Affected: yes. Not counted in ClinVar's aggregate classification.
Comment: This variant was classified as: Uncertain significance. The available evidence on this variant's pathogenicity is insufficient or conflicting. The following ACMG criteria were applied in classifying this variant: PP2,PP3,PP5.
ClinVar note: Reason: Older and outlier claim with insufficient supporting evidence

Literature cited by the submitters: PubMed 15982307 (cited by 4 submitters); PubMed 23232694 (cited by 5 submitters); PubMed 25716912 (cited by 6 submitters); PubMed 26884178 (cited by 5 submitters); PubMed 27504877 (cited by Labcorp Genetics (formerly Invitae), Labcorp); PubMed 29607586 (cited by Labcorp Genetics (formerly Invitae), Labcorp); PubMed 7585650 (cited by 4 submitters); PubMed 23221806 (cited by 3 submitters); PubMed 35699229 (cited by Variantyx, Inc. and Molecular Genetics, Royal Melbourne Hospital); PubMed 9195225 (cited by 3 submitters); PubMed 16135823 (cited by Molecular Genetics, Royal Melbourne Hospital); PubMed 9238033 (cited by Women's Health and Genetics/Laboratory Corporation of America, LabCorp); PubMed 8571952 (cited by Women's Health and Genetics/Laboratory Corporation of America, LabCorp); PubMed 22234153 (cited by Women's Health and Genetics/Laboratory Corporation of America, LabCorp and Illumina Laboratory Services, Illumina); PubMed 24728327 (cited by ITMI).